The following is an entry in ClinVar:

ClinVar aggregate classification (germline): Uncertain significance. Review status: criteria provided, multiple submitters, no conflicts (2 of 4 stars). 2 submissions from 2 submitters: Uncertain significance (2). Last evaluated 2025-04-08.

Conditions:
Inborn genetic diseases. Identifiers: MedGen C0950123, MeSH D030342.

Allele frequency attached by ClinVar (database versions not stated): gnomAD exomes 0.00001; ExAC 0.00002; TOPMed 0.00006; gnomAD 0.00009; ESP Exome Variant Server 0.00040.
gnomAD v4.1: 25 of 1,613,118 alleles (0.0015%); highest among the groups gnomAD compares: African/African-American, 0.028%; no homozygotes.

Submissions (2):

Labcorp Genetics (formerly Invitae), Labcorp
Classification: Uncertain significance. Last evaluated: 2025-04-08. Review status: criteria provided, single submitter. Criteria: Invitae Variant Classification Sherloc (09022015). Collection method: clinical testing. Allele origin: germline.
Comment: This sequence change replaces glutamine, which is neutral and polar, with arginine, which is basic and polar, at codon 334 of the TBCD protein (p.Gln334Arg). This variant is present in population databases (rs200305278, gnomAD 0.02%). This variant has not been reported in the literature in individuals affected with TBCD-related conditions. ClinVar contains an entry for this variant (Variation ID: 1907974). Invitae Evidence Modeling of protein sequence and biophysical properties (such as structural, functional, and spatial information, amino acid conservation, physicochemical variation, residue mobility, and thermodynamic stability) indicates that this missense variant is not expected to disrupt TBCD protein function with a negative predictive value of 80%. In summary, the available evidence is currently insufficient to determine the role of this variant in disease. Therefore, it has been classified as a Variant of Uncertain Significance.

Ambry Genetics
Classification: Uncertain significance for Inborn genetic diseases. Last evaluated: 2024-12-03. Review status: criteria provided, single submitter. Criteria: Ambry Variant Classification Scheme 2023. Collection method: clinical testing. Allele origin: germline.

NM_005993.5(TBCD):c.1001A>G (p.Gln334Arg)

Gene: TBCD (tubulin folding cofactor D). Cytogenetic location: 17q25.3.
Variant type: single nucleotide variant.
Coding change: c.1001A>G on transcript NM_005993.5 (MANE Select); coding-DNA position 1001, A replaced by G.
Protein change: p.Gln334Arg; replaces glutamine 334 with arginine.
Molecular consequence: missense variant.
Genome position (GRCh38, 1-based): chr17:82,805,925, A>G. VCF-style: chr17-82805925-A-G. GRCh37 (hg19) VCF-style: chr17-80763801-A-G.
Other names: c.1001A>G (NM_005993.4); c.950A>G, p.Gln317Arg (NM_001411101.1); c.1001A>G, p.Gln334Arg (NM_001411102.1); short protein forms Q334R, Q317R.
Identifiers: ClinVar variation 1907974 (VCV001907974.4), dbSNP rs200305278, ClinGen allele CA8861840.